The following is an entry in ClinVar:

ClinVar aggregate classification (germline): Likely benign. Review status: criteria provided, multiple submitters, no conflicts (2 of 4 stars). 2 submissions from 2 submitters: Likely benign (2). Last evaluated 2025-05-04.

Conditions:
Fabry disease. Also called: HEREDITARY DYSTOPIC LIPIDOSIS; Angiokeratoma corporis diffusum; Ceramide trihexosidosis; Fabry's disease; ALPHA-GALACTOSIDASE A DEFICIENCY; ANDERSON-FABRY DISEASE. Identifiers: Orphanet 324, MedGen C0002986, MONDO:0010526, OMIM 301500, HP:0001071. Disease mechanism: Fabry disease is due to inactivating mutations in the X-linked GLA gene resulting in deficiency of the enzyme Alpha Galactosidase-A., loss of function.

Allele frequency attached by ClinVar (database versions not stated): gnomAD exomes 0.00001.

Submissions (2):

Labcorp Genetics (formerly Invitae), Labcorp
Classification: Likely benign for Fabry disease. Last evaluated: 2025-05-04. Review status: criteria provided, single submitter. Criteria: Invitae Variant Classification Sherloc (09022015). Collection method: clinical testing. Allele origin: germline.

Laboratory for Molecular Medicine, Mass General Brigham Personalized Medicine
Classification: Likely benign. Last evaluated: 2015-10-26. Review status: criteria provided, single submitter. Criteria: LMM Criteria. Collection method: clinical testing. Allele origin: germline. Observed: 1 variant allele.
Comment: c.194+14G>C in intron 1 of GLA: This variant is not expected to have clinical si gnificance because it is not located within the splice consensus sequence.

NM_000169.3(GLA):c.194+14G>C

Genes: GLA (galactosidase alpha; minus strand), RPL36A-HNRNPH2 (RPL36A-HNRNPH2 readthrough; plus strand). Cytogenetic location: Xq22.1.
Variant type: single nucleotide variant.
Coding change: c.194+14G>C on transcript NM_000169.3 (MANE Select); 14 bases into the intron after coding-DNA position 194, G replaced by C.
Molecular consequence: intron variant.
Genome position (GRCh38, 1-based): chrX:101,407,696, C>G on the plus strand (G>C on the coding strand, the complement: GLA is on the minus strand). VCF-style: chrX-101407696-C-G. GRCh37 (hg19) VCF-style: chrX-100662684-C-G.
Other names: c.301-4240C>G (NM_001199973.2); c.178-4240C>G (NM_001199974.2); c.194+14G>C (NM_001406747.1, NM_001406748.1, NM_001406749.1).
Identifiers: ClinVar variation 227387 (VCV000227387.12), dbSNP rs876657469, ClinGen allele CA10577195.